The following is an entry in ClinVar:

ClinVar aggregate classification (germline): Uncertain significance (1 of 4 stars; one submission).

Allele frequency attached by ClinVar (database versions not stated): gnomAD 0.00001; ExAC 0.00005.
gnomAD v4.1: 15 of 1,587,464 alleles (0.00094%); highest among the groups gnomAD compares: African/African-American, 0.0054%; no homozygotes.

Submission:

GeneDx
Classification: Uncertain significance. Last evaluated: 2020-01-29. Review status: criteria provided, single submitter. Criteria: GeneDx Variant Classification Process June 2021. Collection method: clinical testing. Allele origin: germline. Affected: yes.
Comment: Not observed at a significant frequency in large population cohorts (Lek et al., 2016); In silico analysis supports that this missense variant has a deleterious effect on protein structure/function; Has not been previously published as pathogenic or benign to our knowledge

NM_007254.4(PNKP):c.1252C>T (p.Arg418Trp)

Gene: PNKP (polynucleotide kinase 3'-phosphatase; minus strand). Cytogenetic location: 19q13.33.
Variant type: single nucleotide variant.
Coding change: c.1252C>T on transcript NM_007254.4 (MANE Select); coding-DNA position 1252, C replaced by T.
Protein change: p.Arg418Trp; replaces arginine 418 with tryptophan.
Molecular consequence: missense variant.
Genome position (GRCh38, 1-based): chr19:49,861,818, G>A on the plus strand (C>T on the coding strand, the complement: PNKP is on the minus strand). VCF-style: chr19-49861818-G-A. GRCh37 (hg19) VCF-style: chr19-50365075-G-A.
Other names: short protein forms R418W.
Identifiers: ClinVar variation 1315031 (VCV001315031.2), dbSNP rs777641575, ClinGen allele CA9586507.